The following is an entry in ClinVar:

NM_000079.4(CHRNA1):c.1196T>C (p.Ile399Thr)

Gene: CHRNA1 (cholinergic receptor nicotinic alpha 1 subunit; minus strand). Cytogenetic location: 2q31.1.
Variant type: single nucleotide variant.
Coding change: c.1196T>C on transcript NM_000079.4 (MANE Select); coding-DNA position 1196, T replaced by C.
Protein change: p.Ile399Thr; replaces isoleucine 399 with threonine.
Molecular consequence: missense variant.
Genome position (GRCh38, 1-based): chr2:174,748,626, A>G on the plus strand (T>C on the coding strand, the complement: CHRNA1 is on the minus strand). VCF-style: chr2-174748626-A-G. GRCh37 (hg19) VCF-style: chr2-175613354-A-G.
Other names: c.1271T>C, p.Ile424Thr (NM_001039523.3); short protein forms I424T, I399T.
Identifiers: ClinVar variation 2822198 (VCV002822198.3), dbSNP rs2468886709, ClinGen allele CA349334453.

ClinVar aggregate classification (germline): Uncertain significance (1 of 4 stars; one submission).

Conditions:
Lethal multiple pterygium syndrome (LMPS). Identifiers: Orphanet 33108, MedGen C1854678, MONDO:0009668, OMIM 253290.

Submission:

Labcorp Genetics (formerly Invitae), Labcorp
Classification: Uncertain significance for Lethal multiple pterygium syndrome. Last evaluated: 2022-12-19. Review status: criteria provided, single submitter. Criteria: Invitae Variant Classification Sherloc (09022015). Collection method: clinical testing. Allele origin: germline.
Comment: In summary, the available evidence is currently insufficient to determine the role of this variant in disease. Therefore, it has been classified as a Variant of Uncertain Significance. Advanced modeling of protein sequence and biophysical properties (such as structural, functional, and spatial information, amino acid conservation, physicochemical variation, residue mobility, and thermodynamic stability) performed at Invitae indicates that this missense variant is not expected to disrupt CHRNA1 protein function. This variant has not been reported in the literature in individuals affected with CHRNA1-related conditions. This variant is not present in population databases (gnomAD no frequency). This sequence change replaces isoleucine, which is neutral and non-polar, with threonine, which is neutral and polar, at codon 399 of the CHRNA1 protein (p.Ile399Thr).